The following is an entry in ClinVar:

NM_000381.4(MID1):c.192C>T (p.Thr64=)

Gene: MID1 (midline 1; minus strand). Cytogenetic location: Xp22.2.
Variant type: single nucleotide variant.
Coding change: c.192C>T on transcript NM_000381.4 (MANE Select); coding-DNA position 192, C replaced by T.
Protein change: p.Thr64=; no amino-acid change (threonine 64 retained).
Molecular consequence: synonymous variant.
Genome position (GRCh38, 1-based): chrX:10,567,356, G>A on the plus strand (C>T on the coding strand, the complement: MID1 is on the minus strand). VCF-style: chrX-10567356-G-A. GRCh37 (hg19) VCF-style: chrX-10535396-G-A.
Other names: c.192C>T, p.Thr64= (NM_001098624.2, NM_001193277.1, NM_001193278.1 and 5 more transcripts); c.192C>T (NM_000381.3).
Identifiers: ClinVar variation 1915447 (VCV001915447.7), dbSNP rs773499423, ClinGen allele CA10347721.

ClinVar aggregate classification (germline): Benign. Review status: criteria provided, single submitter (1 of 4 stars). 2 submissions from 2 submitters: Benign (1). 1 of the submissions does not count toward it. Last evaluated 2026-01-06.

Conditions:
MID1-related disorder. Also called: MID1-related condition.

Allele frequency attached by ClinVar (database versions not stated): gnomAD exomes 0.00001; gnomAD 0.00003; ExAC 0.00005; TOPMed 0.00005; 1000 Genomes Project 30x 0.00021; 1000 Genomes Project 0.00026.
gnomAD v4.1: 19 of 1,197,143 alleles (0.0016%); highest among the groups gnomAD compares: East Asian, 0.045%; no homozygotes.

Submissions (2):

Labcorp Genetics (formerly Invitae), Labcorp
Classification: Benign. Last evaluated: 2026-01-06. Review status: criteria provided, single submitter. Criteria: Invitae Variant Classification Sherloc (09022015). Collection method: clinical testing. Allele origin: germline.

PreventionGenetics, part of Exact Sciences
Classification: Likely benign for MID1-related condition. Last evaluated: 2023-02-24. Review status: no assertion criteria provided. Collection method: clinical testing. Allele origin: germline. Not counted in ClinVar's aggregate classification.
Comment: This variant is classified as likely benign based on ACMG/AMP sequence variant interpretation guidelines (Richards et al. 2015 PMID: 25741868, with internal and published modifications).